The following is an entry in ClinVar:

Conditions:
Long QT syndrome 5 (LQT5). Identifiers: Orphanet 101016, Orphanet 768, MedGen C1867904, MONDO:0013372, OMIM 613695.

Submission:

Roden Lab, Vanderbilt University Medical Center
No classification provided (evidence only). Condition: Long QT syndrome 5. Review status: no classification provided. Collection method: in vitro. Allele origin: not applicable. Functional consequence: Effect on ion channel function.
ClinVar note: "not provided" was previously submitted as the classification for the variant. However, the classification appeared to be based only on an observation of functional data so it was converted to no classification on 2025-07-30.

NM_000219.6(KCNE1):c.145A>C (p.Met49Leu)

Gene: KCNE1 (potassium voltage-gated channel subfamily E regulatory subunit 1; minus strand). Cytogenetic location: 21q22.12.
Variant type: single nucleotide variant.
Coding change: c.145A>C on transcript NM_000219.6 (MANE Select); coding-DNA position 145, A replaced by C.
Protein change: p.Met49Leu; replaces methionine 49 with leucine.
Molecular consequence: missense variant.
Genome position (GRCh38, 1-based): chr21:34,449,490, T>G on the plus strand (A>C on the coding strand, the complement: KCNE1 is on the minus strand). VCF-style: chr21-34449490-T-G. GRCh37 (hg19) VCF-style: chr21-35821788-T-G.
Other names: c.145A>C, p.Met49Leu (NM_001127668.4, NM_001127669.4, NM_001127670.4 and 4 more transcripts); short protein forms M49L.
Identifiers: ClinVar variation 3374163 (VCV003374163.2).